The following is an entry in ClinVar:

NM_170606.3(KMT2C):c.6865C>T (p.Arg2289Cys)

Gene: KMT2C (lysine methyltransferase 2C; minus strand). Cytogenetic location: 7q36.1.
Variant type: single nucleotide variant.
Coding change: c.6865C>T on transcript NM_170606.3 (MANE Select); coding-DNA position 6865, C replaced by T.
Protein change: p.Arg2289Cys; replaces arginine 2289 with cysteine.
Molecular consequence: missense variant.
Genome position (GRCh38, 1-based): chr7:152,180,995, G>A on the plus strand (C>T on the coding strand, the complement: KMT2C is on the minus strand). VCF-style: chr7-152180995-G-A. GRCh37 (hg19) VCF-style: chr7-151878080-G-A.
Other names: short protein forms R2289C.
Identifiers: ClinVar variation 3336307 (VCV003336307.1).
Genomic context (GRCh38, chr7:152,180,995, plus strand): 5'-GAGATCTTGGAGTCATTGGAGACTGATCATAGGGATCACGGGCAGCAGATGGGGAAACAC[G>A]GCTAAATGTGTCTGAAAGACCAGGTCCAGGGGGCCTAGGTGTCTGGGAACATGTATCAGG-3'
Protein context (NP_733751.2, residues 2279-2299): PGPGLSDTFS[Arg2289Cys]VSPSAARDPY

ClinVar aggregate classification (germline): Uncertain significance (1 of 4 stars; one submission).

gnomAD v4.1: 60 of 1,614,038 alleles (0.0037%); highest among the groups gnomAD compares: South Asian, 0.0055%; 1 homozygote.

Submission:

Women's Health and Genetics/Laboratory Corporation of America, LabCorp
Classification: Uncertain significance. Last evaluated: 2024-05-31. Review status: criteria provided, single submitter. Criteria: LabCorp Variant Classification Summary - May 2015. Collection method: clinical testing. Allele origin: germline.
Comment: Variant summary: KMT2C c.6865C>T (p.Arg2289Cys) results in a non-conservative amino acid change in the encoded protein sequence. Three of five in-silico tools predict a benign effect of the variant on protein function. The variant allele was found at a frequency of 2e-05 in 251354 control chromosomes. The available data on variant occurrences in the general population are insufficient to allow any conclusion about variant significance. To our knowledge, no occurrence of c.6865C>T in individuals affected with Kleefstra Syndrome 2 and no experimental evidence demonstrating its impact on protein function have been reported. No submitters have cited clinical-significance assessments for this variant to ClinVar. Based on the evidence outlined above, the variant was classified as uncertain significance.